The following is an entry in ClinVar:

ClinVar aggregate classification (germline): Uncertain significance (1 of 4 stars; one submission).

Submission:

GeneDx
Classification: Uncertain significance. Last evaluated: 2025-08-09. Review status: criteria provided, single submitter. Criteria: GeneDx Variant Classification Process June 2021. Collection method: clinical testing. Allele origin: germline. Affected: yes.
Comment: Not observed at significant frequency in large population cohorts (gnomAD); In silico analysis supports that this missense variant has a deleterious effect on protein structure/function; Has not been previously published as pathogenic or benign to our knowledge

NM_019842.4(KCNQ5):c.953C>T (p.Thr318Ile)

Gene: KCNQ5 (potassium voltage-gated channel subfamily Q member 5; plus strand). Cytogenetic location: 6q13.
Variant type: single nucleotide variant.
Coding change: c.953C>T on transcript NM_019842.4 (MANE Select); coding-DNA position 953, C replaced by T.
Protein change: p.Thr318Ile; replaces threonine 318 with isoleucine.
Molecular consequence: missense variant.
Genome position (GRCh38, 1-based): chr6:73,105,291, C>T. VCF-style: chr6-73105291-C-T. GRCh37 (hg19) VCF-style: chr6-73815014-C-T.
Other names: c.953C>T, p.Thr318Ile (NM_001160130.2, NM_001160132.2, NM_001160133.2 and 1 more transcripts); short protein forms T318I.
Identifiers: ClinVar variation 4795664 (VCV004795664.1).
Genomic context (GRCh38, chr6:73,105,291, plus strand): 5'-GCACATTCTATTTATTTTGTTTCTAGATTACATTGACAACTATTGGCTATGGAGACAAAA[C>T]TCCCCTAACTTGGCTGGGAAGATTGCTTTCTGCAGGCTTTGCACTCCTTGGCATTTCTTT-3'
Protein context (NP_062816.2, residues 308-328): TLTTIGYGDK[Thr318Ile]PLTWLGRLLS